The following is an entry in ClinVar:

NM_000126.4(ETFA):c.506G>T (p.Arg169Leu)

Gene: ETFA (electron transfer flavoprotein subunit alpha; minus strand). Cytogenetic location: 15q24.2.
Variant type: single nucleotide variant.
Coding change: c.506G>T on transcript NM_000126.4 (MANE Select); coding-DNA position 506, G replaced by T.
Protein change: p.Arg169Leu; replaces arginine 169 with leucine.
Molecular consequence: missense variant.
Genome position (GRCh38, 1-based): chr15:76,286,427, C>A on the plus strand (G>T on the coding strand, the complement: ETFA is on the minus strand). VCF-style: chr15-76286427-C-A. GRCh37 (hg19) VCF-style: chr15-76578768-C-A.
Other names: c.359G>T, p.Arg120Leu (NM_001127716.2); short protein forms R120L, R169L.
Identifiers: ClinVar variation 4685906 (VCV004685906.1).

ClinVar aggregate classification (germline): Uncertain significance (1 of 4 stars; one submission).

Conditions:
Multiple acyl-CoA dehydrogenase deficiency (MADD). Also called: Glutaric aciduria, type 2; Glutaric acidemia type II; GA 2; Glutaric Acidemia type 2; ETHYLMALONIC-ADIPICACIDURIA; GA II. Identifiers: Orphanet 26791, MedGen C0268596, MONDO:0009282, OMIM 231680.

Submission:

ARUP Laboratories, Molecular Genetics and Genomics, ARUP Laboratories
Classification: Uncertain significance for Multiple acyl-CoA dehydrogenase deficiency. Last evaluated: 2025-06-20. Review status: criteria provided, single submitter. Criteria: ARUP Molecular Germline Variant Investigation Process 2024. Collection method: clinical testing. Allele origin: germline.
Comment: The ETFA c.506G>T; p.Arg169Leu, to our knowledge, is not reported in the medical literature or gene specific databases. This variant is also absent from the Genome Aggregation Database (v2.1.1), indicating it is not a common polymorphism. Computational analyses predict that this variant is deleterious (REVEL: 0.943). Given the lack of clinical and functional data, the significance of this variant is uncertain at this time.